The following is an entry in ClinVar:

ClinVar aggregate classification (germline): Pathogenic (1 of 4 stars; one submission).

Conditions:
Kleefstra syndrome 1 (KLEFS1). Identifiers: Orphanet 261494, MedGen C0795833, MONDO:0027407, OMIM 610253.

Submission:

Laboratory of Genetics, Children's Clinical University Hospital Latvia
Classification: Pathogenic for Kleefstra syndrome 1. Review status: criteria provided, single submitter. Criteria: ACMG Guidelines, 2015. Collection method: curation. Allele origin: inherited. Affected: yes.

Literature cited by the submitters: PubMed 39013458.

NM_024757.5(EHMT1):c.3581A>T (p.Asn1194Ile)

Gene: EHMT1 (euchromatic histone lysine methyltransferase 1; plus strand). Cytogenetic location: 9q34.3.
Variant type: single nucleotide variant.
Coding change: c.3581A>T on transcript NM_024757.5 (MANE Select); coding-DNA position 3581, A replaced by T.
Protein change: p.Asn1194Ile; replaces asparagine 1194 with isoleucine.
Molecular consequence: missense variant.
Genome position (GRCh38, 1-based): chr9:137,834,389, A>T. VCF-style: chr9-137834389-A-T. GRCh37 (hg19) VCF-style: chr9-140728841-A-T.
Other names: c.3560A>T, p.Asn1187Ile (NM_001354263.2); short protein forms N1187I, N1194I.
Identifiers: ClinVar variation 3236893 (VCV003236893.1).